The following is an entry in ClinVar:

ClinVar aggregate classification (germline): Uncertain significance (1 of 4 stars; one submission).

Submission:

GeneDx
Classification: Uncertain significance. Last evaluated: 2026-04-25. Review status: criteria provided, single submitter. Criteria: GeneDx Variant Classification Process June 2021. Collection method: clinical testing. Allele origin: germline.
Comment: Not observed at significant frequency in large population cohorts (gnomAD); In silico analysis supports that this missense variant has a deleterious effect on protein structure/function; Has not been previously published as pathogenic or benign to our knowledge.

NM_001256071.3(RNF213):c.15293T>C (p.Phe5098Ser)

Genes: RNF213 (ring finger protein 213; plus strand), RNF213-AS1 (RNF213 antisense RNA 1; minus strand). Cytogenetic location: 17q25.3.
Variant type: single nucleotide variant.
Coding change: c.15293T>C on transcript NM_001256071.3 (MANE Select); coding-DNA position 15293, T replaced by C.
Protein change: p.Phe5098Ser; replaces phenylalanine 5098 with serine.
Molecular consequence: missense variant.
Genome position (GRCh38, 1-based): chr17:80,390,019, T>C. VCF-style: chr17-80390019-T-C. GRCh37 (hg19) VCF-style: chr17-78363819-T-C.
Other names: c.15440T>C, p.Phe5147Ser (NM_001410195.1, NM_020914.5); short protein forms F5098S, F5147S.
Identifiers: ClinVar variation 5037465 (VCV005037465.1).